The following is an entry in ClinVar:

ClinVar aggregate classification (germline): Likely benign. Review status: criteria provided, multiple submitters, no conflicts (2 of 4 stars). 2 submissions from 2 submitters: Likely benign (2). Last evaluated 2025-10-03.

Conditions:
TTN-related disorder. Also called: TTN-related condition; TTN-related disease; TTN-related disorders.
Dilated cardiomyopathy 1G (CMD1G). Identifiers: Orphanet 154, MedGen C1858763, MONDO:0011400, OMIM 604145.
Autosomal recessive limb-girdle muscular dystrophy type 2J (LGMDR10). Also called: Limb-girdle muscular dystrophy, type 2J; MUSCULAR DYSTROPHY, LIMB-GIRDLE, AUTOSOMAL RECESSIVE 10. Identifiers: Orphanet 140922, MedGen C1837342, MONDO:0012127, OMIM 608807.

Allele frequency attached by ClinVar (database versions not stated): gnomAD exomes below 0.00001; gnomAD 0.00001; TOPMed 0.00002; 1000 Genomes Project 30x 0.00016; 1000 Genomes Project 0.00020.
gnomAD v4.1: 3 of 1,613,242 alleles (0.00019%); highest among the groups gnomAD compares: East Asian, 0.0067%; no homozygotes.

Submissions (2):

PreventionGenetics, part of Exact Sciences
Classification: Likely benign for TTN-related condition. Last evaluated: 2025-10-03. Review status: criteria provided, single submitter. Criteria: ACMG Guidelines, 2015. Collection method: clinical testing. Allele origin: germline.
Comment: This variant is classified as likely benign based on ACMG/AMP sequence variant interpretation guidelines (Richards et al. 2015 PMID: 25741868, with internal and published modifications).

Labcorp Genetics (formerly Invitae), Labcorp
Classification: Likely benign for Dilated cardiomyopathy 1G; Autosomal recessive limb-girdle muscular dystrophy type 2J. Last evaluated: 2025-09-27. Review status: criteria provided, single submitter. Criteria: Invitae Variant Classification Sherloc (09022015). Collection method: clinical testing. Allele origin: germline.

NM_001267550.2(TTN):c.58533A>G (p.Lys19511=)

Genes: TTN-AS1 (TTN antisense RNA 1; plus strand), TTN (titin; minus strand). Cytogenetic location: 2q31.2.
Variant type: single nucleotide variant.
Coding change: c.58533A>G on transcript NM_001267550.2 (MANE Select); coding-DNA position 58533, A replaced by G.
Protein change: p.Lys19511=; no amino-acid change (lysine 19511 retained).
Molecular consequence: synonymous variant.
Genome position (GRCh38, 1-based): chr2:178,593,767, T>C on the plus strand (A>G on the coding strand, the complement: TTN is on the minus strand). VCF-style: chr2-178593767-T-C. GRCh37 (hg19) VCF-style: chr2-179458494-T-C.
Other names: c.53610A>G, p.Lys17870= (NM_001256850.1); c.31338A>G, p.Lys10446= (NM_003319.4); c.50829A>G, p.Lys16943= (NM_133378.4); c.31713A>G, p.Lys10571= (NM_133432.3); c.31914A>G, p.Lys10638= (NM_133437.4).
Identifiers: ClinVar variation 2178525 (VCV002178525.5), dbSNP rs563248253, ClinGen allele CA60971586.